The following is an entry in ClinVar:

ClinVar aggregate classification (germline): Uncertain significance (1 of 4 stars; one submission).

gnomAD v4.1: 3 of 1,613,386 alleles (0.00019%); highest among the groups gnomAD compares: Non-Finnish European, 0.00025%; no homozygotes.

Submission:

Labcorp Genetics (formerly Invitae), Labcorp
Classification: Uncertain significance. Last evaluated: 2024-01-25. Review status: criteria provided, single submitter. Criteria: Invitae Variant Classification Sherloc (09022015). Collection method: clinical testing. Allele origin: germline.
Comment: This sequence change replaces aspartic acid, which is acidic and polar, with glutamic acid, which is acidic and polar, at codon 354 of the NALCN protein (p.Asp354Glu). This variant is not present in population databases (gnomAD no frequency). This variant has not been reported in the literature in individuals affected with NALCN-related conditions. Advanced modeling of protein sequence and biophysical properties (such as structural, functional, and spatial information, amino acid conservation, physicochemical variation, residue mobility, and thermodynamic stability) performed at Invitae indicates that this missense variant is not expected to disrupt NALCN protein function with a negative predictive value of 80%. In summary, the available evidence is currently insufficient to determine the role of this variant in disease. Therefore, it has been classified as a Variant of Uncertain Significance.

NM_052867.4(NALCN):c.1062T>A (p.Asp354Glu)

Gene: NALCN (sodium leak channel, non-selective; minus strand). Cytogenetic location: 13q33.1.
Variant type: single nucleotide variant.
Coding change: c.1062T>A on transcript NM_052867.4 (MANE Select); coding-DNA position 1062, T replaced by A.
Protein change: p.Asp354Glu; replaces aspartic acid 354 with glutamic acid.
Molecular consequence: missense variant. On other transcripts: intron variant (2).
Genome position (GRCh38, 1-based): chr13:101,284,005, A>T on the plus strand (T>A on the coding strand, the complement: NALCN is on the minus strand). VCF-style: chr13-101284005-A-T. GRCh37 (hg19) VCF-style: chr13-101936356-A-T.
Other names: c.1062T>A, p.Asp354Glu (NM_001350748.2, NM_001350749.2); c.1047+7985T>A (NM_001350751.2, NM_001350750.2); short protein forms D354E.
Identifiers: ClinVar variation 2877745 (VCV002877745.3), dbSNP rs2503259875, ClinGen allele CA388704139.